The following is an entry in ClinVar:

ClinVar aggregate classification (germline): Uncertain significance. Review status: criteria provided, multiple submitters, no conflicts (2 of 4 stars). 2 submissions from 2 submitters: Uncertain significance (2). Last evaluated 2023-05-01.

Conditions:
Very long chain acyl-CoA dehydrogenase deficiency (ACADVLD). Also called: Very Long-Chain Acyl-Coenzyme A Dehydrogenase Deficiency; VLCAD Deficiency. Identifiers: Orphanet 26793, MedGen C3887523, MONDO:0008723, OMIM 201475.

Submissions (2):

CeGaT Center for Human Genetics Tuebingen
Classification: Uncertain significance. Last evaluated: 2023-05-01. Review status: criteria provided, single submitter. Criteria: CeGaT Center For Human Genetics Tuebingen Variant Classification Criteria Version 2. Collection method: clinical testing. Allele origin: germline. Affected: yes. Observed: 1 variant allele.
Comment: ACADVL: PM2

Labcorp Genetics (formerly Invitae), Labcorp
Classification: Uncertain significance for Very long chain acyl-CoA dehydrogenase deficiency. Last evaluated: 2021-09-17. Review status: criteria provided, single submitter. Criteria: Invitae Variant Classification Sherloc (09022015). Collection method: clinical testing. Allele origin: germline.
Comment: This sequence change replaces alanine with threonine at codon 271 of the ACADVL protein (p.Ala271Thr). The alanine residue is moderately conserved and there is a small physicochemical difference between alanine and threonine. This variant is not present in population databases (ExAC no frequency). This variant has not been reported in the literature in individuals with ACADVL-related conditions. Algorithms developed to predict the effect of missense changes on protein structure and function (SIFT, PolyPhen-2, Align-GVGD) all suggest that this variant is likely to be tolerated, but these predictions have not been confirmed by published functional studies and their clinical significance is uncertain. In summary, the available evidence is currently insufficient to determine the role of this variant in disease. Therefore, it has been classified as a Variant of Uncertain Significance.

NM_000018.4(ACADVL):c.811G>A (p.Ala271Thr)

Gene: ACADVL (acyl-CoA dehydrogenase very long chain; plus strand). Cytogenetic location: 17p13.1.
Variant type: single nucleotide variant.
Coding change: c.811G>A on transcript NM_000018.4 (MANE Select); coding-DNA position 811, G replaced by A.
Protein change: p.Ala271Thr; replaces alanine 271 with threonine.
Molecular consequence: missense variant.
Genome position (GRCh38, 1-based): chr17:7,222,235, G>A. VCF-style: chr17-7222235-G-A. GRCh37 (hg19) VCF-style: chr17-7125554-G-A.
Other names: c.745G>A, p.Ala249Thr (NM_001033859.3); c.880G>A, p.Ala294Thr (NM_001270447.2); c.583G>A, p.Ala195Thr (NM_001270448.2); short protein forms A249T, A271T, A294T, A195T.
Identifiers: ClinVar variation 1475045 (VCV001475045.29), dbSNP rs2142977919, ClinGen allele CA397723738.